The following is an entry in ClinVar:

NM_006245.4(PPP2R5D):c.1741_1742dup (p.Ile582fs)

Genes: MEA1 (male-enhanced antigen 1; minus strand), PPP2R5D (protein phosphatase 2 regulatory subunit B'delta; plus strand). Cytogenetic location: 6p21.1.
Variant type: Microsatellite.
Coding change: c.1741_1742dup on transcript NM_006245.4 (MANE Select); coding-DNA positions 1741 to 1742, 2 bases duplicated (AC; older notation c.1741_1742dupAC).
Protein change: p.Ile582fs; shifts the reading frame from isoleucine 582.
Molecular consequence: frameshift variant. On other transcripts: 3 prime UTR variant (1).
Genome position (GRCh38, 1-based): chr6:43,011,218-43,011,219, AC duplicated; duplicating any 2 consecutive bases within chr6:43,011,216-43,011,219 gives the same sequence; the c. name uses the placement nearest the transcript's 3' end. VCF-style (leftmost placement, unchanged base first): chr6-43011215-T-TAC. GRCh37 (hg19) VCF-style: chr6-42978953-T-TAC.
Other names: c.*1251GT[3] (NM_014623.4); c.1288_1289dup, p.Ile431fs (NM_001270476.2); c.1645_1646dup, p.Ile550fs (NM_180976.3); c.1423_1424dup, p.Ile476fs (NM_180977.3); short protein forms I476fs, I550fs, I431fs, I582fs.
Identifiers: ClinVar variation 2841955 (VCV002841955.3), dbSNP rs2532493444, ClinGen allele CA2739273019.

ClinVar aggregate classification (germline): Uncertain significance (1 of 4 stars; one submission).

Submission:

Labcorp Genetics (formerly Invitae), Labcorp
Classification: Uncertain significance. Last evaluated: 2023-04-17. Review status: criteria provided, single submitter. Criteria: Invitae Variant Classification Sherloc (09022015). Collection method: clinical testing. Allele origin: germline.
Comment: In summary, the available evidence is currently insufficient to determine the role of this variant in disease. Therefore, it has been classified as a Variant of Uncertain Significance. This variant has not been reported in the literature in individuals affected with PPP2R5D-related conditions. This variant is not present in population databases (gnomAD no frequency). This sequence change creates a premature translational stop signal (p.Ile582Profs*15) in the PPP2R5D gene. While this is not anticipated to result in nonsense mediated decay, it is expected to disrupt the last 21 amino acid(s) of the PPP2R5D protein.